The following is an entry in ClinVar:

ClinVar aggregate classification (germline): Pathogenic (1 of 4 stars; one submission).

Conditions:
Hereditary breast ovarian cancer syndrome. Also called: Hereditary breast and/or ovarian cancer syndrome; Hereditary breast and ovarian cancer syndrome; Hereditary breast and ovarian cancer; Hereditary breast and ovarian cancer syndrome (HBOC); Breast and ovarian cancer; BRCA1- and BRCA2-Associated Hereditary Breast and Ovarian Cancer. Identifiers: Orphanet 145, MedGen C0677776, MeSH D061325, MONDO:0003582. Disease mechanism: loss of function.

Submission:

Labcorp Genetics (formerly Invitae), Labcorp
Classification: Pathogenic for Hereditary breast ovarian cancer syndrome. Last evaluated: 2019-05-14. Review status: criteria provided, single submitter. Criteria: Invitae Variant Classification Sherloc (09022015). Collection method: clinical testing. Allele origin: germline.
Comment: This variant is not present in population databases (ExAC no frequency). This sequence change results in a premature translational stop signal in the BRCA2 gene (p.Ser3200Leufs*18). While this is not anticipated to result in nonsense mediated decay, it is expected to disrupt the last 219 amino acids of the BRCA2 protein. This variant has not been reported in the literature in individuals with BRCA2-related conditions. This variant disrupts the C-terminus of the BRCA2 protein. Other variant(s) that disrupt this region (p.Tyr3308*) have been determined to be pathogenic (PMID: 17026620, 18593900, 18607349, 22711857). This suggests that variants that disrupt this region of the protein are likely to be causative of disease. For these reasons, this variant has been classified as Pathogenic.

Literature cited by the submitters: PubMed 17026620; PubMed 18593900; PubMed 18607349; PubMed 22711857.

NM_000059.4(BRCA2):c.9595_9596dup (p.Ser3200fs)

Gene: BRCA2 (BRCA2 DNA repair associated; plus strand). Cytogenetic location: 13q13.1.
Variant type: Duplication.
Coding change: c.9595_9596dup on transcript NM_000059.4 (MANE Select); coding-DNA positions 9595 to 9596, 2 bases duplicated (AC; older notation c.9595_9596dupAC).
Protein change: p.Ser3200fs; shifts the reading frame from serine 3200.
Molecular consequence: frameshift variant.
Genome position (GRCh38, 1-based): chr13:32,396,991-32,396,992, AC duplicated. VCF-style (leftmost placement, unchanged base first): chr13-32396990-T-TAC. GRCh37 (hg19) VCF-style: chr13-32971127-T-TAC.
Other names: short protein forms S3200fs.
Identifiers: ClinVar variation 941851 (VCV000941851.10), dbSNP rs2073041452, ClinGen allele CA1139663198.